The following is an entry in ClinVar:

NM_001358921.2(COQ2):c.65C>T (p.Pro22Leu)

Genes: COQ2 (coenzyme Q2, polyprenyltransferase; minus strand), LOC112997540 (Sharpr-MPRA regulatory region 13773; plus strand). Cytogenetic location: 4q21.23.
Variant type: single nucleotide variant.
Coding change: c.65C>T on transcript NM_001358921.2 (MANE Select); coding-DNA position 65, C replaced by T.
Protein change: p.Pro22Leu; replaces proline 22 with leucine.
Molecular consequence: missense variant.
Genome position (GRCh38, 1-based): chr4:83,284,700, G>A on the plus strand (C>T on the coding strand, the complement: COQ2 is on the minus strand). VCF-style: chr4-83284700-G-A. GRCh37 (hg19) VCF-style: chr4-84205853-G-A.
Other names: c.215C>T, p.Pro72Leu (NM_015697.9); short protein forms P22L, P72L.
Identifiers: ClinVar variation 3342845 (VCV003342845.1).

ClinVar aggregate classification (germline): Uncertain significance (1 of 4 stars; one submission).

gnomAD v4.1: 7 of 1,484,406 alleles (0.00047%); highest among the groups gnomAD compares: East Asian, 0.02%; no homozygotes.

Submission:

GeneDx
Classification: Uncertain significance. Last evaluated: 2024-02-29. Review status: criteria provided, single submitter. Criteria: GeneDx Variant Classification Process June 2021. Collection method: clinical testing. Allele origin: germline. Affected: yes.
Comment: In vitro functional studies indicate minimal to no impact on yeast growth rate, but additional research is needed to fully understand the impact of this variant on human disease (PMID: 23758206); Not observed at significant frequency in large population cohorts (gnomAD); In silico analysis supports that this missense variant does not alter protein structure/function; This variant is associated with the following publications: (PMID: 23758206, 35483523)